The following is an entry in ClinVar:

NM_001386393.1(PANK2):c.1097T>A (p.Met366Lys)

Gene: PANK2 (pantothenate kinase 2; plus strand). Cytogenetic location: 20p13.
Variant type: single nucleotide variant.
Coding change: c.1097T>A on transcript NM_001386393.1 (MANE Select); coding-DNA position 1097, T replaced by A.
Protein change: p.Met366Lys; replaces methionine 366 with lysine.
Molecular consequence: missense variant. On other transcripts: non-coding transcript variant (1).
Genome position (GRCh38, 1-based): chr20:3,916,941, T>A. VCF-style: chr20-3916941-T-A. GRCh37 (hg19) VCF-style: chr20-3897588-T-A.
Other names: c.554T>A, p.Met185Lys (NM_001324191.2, NM_024960.6, NM_153640.4); c.119T>A, p.Met40Lys (NM_001324193.2); c.1427T>A, p.Met476Lys (NM_153638.4); short protein forms M476K, M40K, M366K, M185K.
Identifiers: ClinVar variation 2008948 (VCV002008948.4), dbSNP rs2515521999, ClinGen allele CA408119251.
Genomic context (GRCh38, chr20:3,916,941, plus strand): 5'-TTGTTGCTGTTGGTTTAGCAATGGGATTTTTTTTCCCCCATCACAGCTTTGGAAACATGA[T>A]GAGCAAGGAGAAGCGAGAGGCTGTCAGTAAAGAGGACCTGGCCAGAGCGACTTTGATCAC-3'
Protein context (NP_001373322.1, residues 356-376): WAVASSFGNM[Met366Lys]SKEKREAVSK

ClinVar aggregate classification (germline): Uncertain significance (1 of 4 stars; one submission).

Conditions:
Pigmentary pallidal degeneration (NBIA1). Also called: PKAN NEUROAXONAL DYSTROPHY, JUVENILE-ONSET; Neuroaxonal dystrophy, late infantile; Hallervorden-Spatz disease; Neurodegeneration with brain iron accumulation 1; HARP SYNDROME; Pantothenate Kinase-Associated Neurodegeneration. Identifiers: Orphanet 157850, MedGen C0018523, MONDO:0009319, OMIM 234200.

Allele frequency attached by ClinVar (database versions not stated): gnomAD exomes below 0.00001.
gnomAD v4.1: 2 of 1,614,032 alleles (0.00012%); highest among the groups gnomAD compares: Non-Finnish European, 0.00017%; no homozygotes.

Submission:

Labcorp Genetics (formerly Invitae), Labcorp
Classification: Uncertain significance for Pigmentary pallidal degeneration. Last evaluated: 2022-06-22. Review status: criteria provided, single submitter. Criteria: Invitae Variant Classification Sherloc (09022015). Collection method: clinical testing. Allele origin: germline.
Comment: In summary, the available evidence is currently insufficient to determine the role of this variant in disease. Therefore, it has been classified as a Variant of Uncertain Significance. Algorithms developed to predict the effect of missense changes on protein structure and function (SIFT, PolyPhen-2, Align-GVGD) all suggest that this variant is likely to be tolerated. This variant has not been reported in the literature in individuals affected with PANK2-related conditions. This variant is not present in population databases (gnomAD no frequency). This sequence change replaces methionine, which is neutral and non-polar, with lysine, which is basic and polar, at codon 476 of the PANK2 protein (p.Met476Lys).